The following is an entry in ClinVar:

ClinVar aggregate classification (germline): Uncertain significance. Review status: criteria provided, multiple submitters, no conflicts (2 of 4 stars). 3 submissions from 3 submitters: Uncertain significance (3). Last evaluated 2025-11-06.

Conditions:
Inborn genetic diseases. Identifiers: MedGen C0950123, MeSH D030342.

Allele frequency attached by ClinVar (database versions not stated): gnomAD exomes 0.00001; gnomAD 0.00002; TOPMed 0.00002; ExAC 0.00003.
gnomAD v4.1: 19 of 1,610,584 alleles (0.0012%); highest among the groups gnomAD compares: Middle Eastern, 0.033%; no homozygotes.

Submissions (3):

Ambry Genetics
Classification: Uncertain significance for Inborn genetic diseases. Last evaluated: 2025-11-06. Review status: criteria provided, single submitter. Criteria: Ambry Variant Classification Scheme 2023. Collection method: clinical testing. Allele origin: germline.

CeGaT Center for Human Genetics Tuebingen
Classification: Uncertain significance. Last evaluated: 2023-02-01. Review status: criteria provided, single submitter. Criteria: CeGaT Center For Human Genetics Tuebingen Variant Classification Criteria Version 2. Collection method: clinical testing. Allele origin: germline. Affected: yes. Observed: 1 variant allele.
Comment: CDH23: PM2, PP3

Labcorp Genetics (formerly Invitae), Labcorp
Classification: Uncertain significance. Last evaluated: 2022-04-04. Review status: criteria provided, single submitter. Criteria: Invitae Variant Classification Sherloc (09022015). Collection method: clinical testing. Allele origin: germline.
Comment: This sequence change replaces asparagine, which is neutral and polar, with lysine, which is basic and polar, at codon 383 of the CDH23 protein (p.Asn383Lys). This variant is present in population databases (rs747106189, gnomAD 0.003%). This variant has not been reported in the literature in individuals affected with CDH23-related conditions. Algorithms developed to predict the effect of missense changes on protein structure and function are either unavailable or do not agree on the potential impact of this missense change (SIFT: "Deleterious"; PolyPhen-2: "Not Available"; Align-GVGD: "Class C65"). In summary, the available evidence is currently insufficient to determine the role of this variant in disease. Therefore, it has been classified as a Variant of Uncertain Significance.

NM_022124.6(CDH23):c.1149C>A (p.Asn383Lys)

Gene: CDH23 (cadherin related 23; plus strand). Cytogenetic location: 10q22.1.
Variant type: single nucleotide variant.
Coding change: c.1149C>A on transcript NM_022124.6 (MANE Select); coding-DNA position 1149, C replaced by A.
Protein change: p.Asn383Lys; replaces asparagine 383 with lysine.
Molecular consequence: missense variant.
Genome position (GRCh38, 1-based): chr10:71,645,839, C>A. VCF-style: chr10-71645839-C-A. GRCh37 (hg19) VCF-style: chr10-73405596-C-A.
Other names: c.1149C>A (NM_022124.5); c.1149C>A, p.Asn383Lys (NM_001171930.2, NM_001171931.2, NM_052836.4); short protein forms N383K.
Identifiers: ClinVar variation 2155497 (VCV002155497.25), dbSNP rs747106189, ClinGen allele CA5543718.